The following continues an entry in ClinVar:

NM_001267550.2(TTN):c.86821+2T>A

ClinVar aggregate classification (germline): Pathogenic/Likely pathogenic. Pathogenic (12); Likely pathogenic (2).

Submissions 7 to 14 of 14:

Revvity Omics, Revvity
Classification: Pathogenic. Last evaluated: 2024-03-27. Review status: criteria provided, single submitter. Criteria: ACMG Guidelines, 2015. Collection method: clinical testing. Allele origin: germline.

GeneDx
Classification: Pathogenic. Last evaluated: 2023-08-15. Review status: criteria provided, single submitter. Criteria: GeneDx Variant Classification Process June 2021. Collection method: clinical testing. Allele origin: germline. Affected: yes.
Comment: Not observed at significant frequency in large population cohorts (gnomAD); Canonical splice site variant predicted to result in an in-frame loss of the adjacent exon in a gene for which loss of function is a known mechanism of disease; Located in the A-band region of TTN in which the majority of loss of function variants have been associated with autosomal dominant titinopathies (Herman et al., 2012); This variant is associated with the following publications: (PMID: 22335739, 23418287, 30681174, 31402444, 33874732, 36264615, 34731015, 33226272)

Illumina Laboratory Services, Illumina
Classification: Pathogenic for Dilated cardiomyopathy 1G. Last evaluated: 2023-08-14. Review status: criteria provided, single submitter. Criteria: ICSLVariantClassificationCriteria RUGD 01 April 2020. Collection method: clinical testing. Allele origin: unknown.
Comment: The TTN c.86821+2T>A variant, also referred to as c.79117+2T>A, c.81898+2T>A, or IVS 275+2T>A, results in a substitution at the consensus splice donor site which is predicted to result in splicing defects. This variant affects exon 326 of the meta transcript of titin within the A-band, which is highly expressed in cardiac tissue (PMID: 25589632). In a meta-analysis of TTN truncating variants in patients and controls, variants in this region were associated with a significantly increased risk of developing dilated cardiomyopathy (DCM; odds ratio 49.8) (PMID: 27869827). This variant has been identified in individuals diagnosed with DCM, and has been shown to segregate with disease in multiple families (PMID: 22335739; 23418287; 24503780). This variant is not observed at a significant frequency in version 2.1.1 or version 3.1.2 of the Genome Aggregation Database. This variant has been classified as pathogenic by at least three submitters in ClinVar. Based on the available evidence, the c.86821+2T>A variant is classified as pathogenic for dilated cardiomyopathy.

Fulgent Genetics
Classification: Pathogenic for Tibial muscular dystrophy; Myopathy, myofibrillar, 9, with early respiratory failure; Dilated cardiomyopathy 1G; Autosomal recessive limb-girdle muscular dystrophy type 2J; Early-onset myopathy with fatal cardiomyopathy; Hypertrophic cardiomyopathy 9. Last evaluated: 2021-10-02. Review status: criteria provided, single submitter. Criteria: ACMG Guidelines, 2015. Collection method: clinical testing. Allele origin: unknown.

Laboratory for Molecular Medicine, Mass General Brigham Personalized Medicine
Classification: Likely pathogenic for Primary dilated cardiomyopathy. Last evaluated: 2019-01-18. Review status: criteria provided, single submitter. Criteria: LMM Criteria. Collection method: clinical testing. Allele origin: germline. Inheritance: Autosomal dominant inheritance. Observed: 3 variant alleles.
Comment: The c.79117+2T>A variant in TTN has been identified in 4 individuals with DCM and segregated with the disease in 5 affected relatives from 3 families (Norton 2013, Herman 2012, LMM data). It has also been identified 1/21992 African chromosomes by gnomAD; however, the quality of this region was low. This variant occurs within the canonical splice site (+/- 1,2) and is predicted to cause altered splicing leading to an abnormal or absent protein. Splice site variants and other truncating variants in TTN are strongly associated with DCM if they impact the exons encoding for the A-band (Herman 2012, Pugh 2014) and/or are located in an exon that is highly expressed in the heart (Roberts 2015). The c.79117+2T>A variant is located in A-band. Loss of function of the TTN gene is an established disease mechanism in autosomal dominant DCM. ACMG/AMP criteria applied: PVS1_Moderate, PS4_Moderate, PP1_Moderate.

Center for Advanced Laboratory Medicine, UC San Diego Health, University of California San Diego
Classification: Pathogenic for Dilated cardiomyopathy. Last evaluated: 2018-04-06. Review status: criteria provided, single submitter. Criteria: ACMG Guidelines, 2015. Collection method: clinical testing. Allele origin: germline. Affected: yes. Observed: 2 variant alleles.

CHEO Genetics Diagnostic Laboratory, Children's Hospital of Eastern Ontario
Classification: Pathogenic for Cardiomyopathy. Last evaluated: 2017-06-12. Review status: criteria provided, single submitter. Criteria: ACMG Guidelines, 2015. Collection method: clinical testing. Allele origin: germline. Study: Canadian Open Genetics Repository.

Eurofins Ntd Llc (ga)
Classification: Pathogenic. Last evaluated: 2017-05-30. Review status: criteria provided, single submitter. Criteria: EGL Classification Definitions 2015. Collection method: clinical testing. Allele origin: germline. Observed: 1 variant allele, 1 heterozygote.

Literature cited by the submitters: PubMed 22335739 (cited by 4 submitters); PubMed 23418287 (cited by 5 submitters); PubMed 25589632 (cited by Labcorp Genetics (formerly Invitae), Labcorp); PubMed 23975875 (cited by Labcorp Genetics (formerly Invitae), Labcorp); PubMed 32792077 (cited by Women's Health and Genetics/Laboratory Corporation of America, LabCorp); PubMed 24503780 (cited by Ambry Genetics).